The following is an entry in ClinVar:

NM_025074.7(FRAS1):c.2949G>A (p.Gln983=)

Gene: FRAS1 (Fraser extracellular matrix complex subunit 1; plus strand). Cytogenetic location: 4q21.21.
Variant type: single nucleotide variant.
Coding change: c.2949G>A on transcript NM_025074.7 (MANE Select); coding-DNA position 2949, G replaced by A.
Protein change: p.Gln983=; no amino-acid change (glutamine 983 retained).
Molecular consequence: synonymous variant.
Genome position (GRCh38, 1-based): chr4:78,372,797, G>A. VCF-style: chr4-78372797-G-A. GRCh37 (hg19) VCF-style: chr4-79293951-G-A.
Other names: p.Gln983=; c.2949G>A, p.Gln983= (NM_001166133.2).
Identifiers: ClinVar variation 706451 (VCV000706451.8), dbSNP rs377433587, ClinGen allele CA2976776.

ClinVar aggregate classification (germline): Likely benign. Review status: criteria provided, multiple submitters, no conflicts (2 of 4 stars). 2 submissions from 2 submitters: Likely benign (2). Last evaluated 2025-12-06.

Allele frequency attached by ClinVar (database versions not stated): gnomAD 0.00005; gnomAD exomes 0.00006; TOPMed 0.00006; ExAC 0.00007; ESP Exome Variant Server 0.00008.
gnomAD v4.1: 168 of 1,613,090 alleles (0.01%); highest among the groups gnomAD compares: Non-Finnish European, 0.013%; no homozygotes.

Submissions (2):

Mayo Clinic Laboratories, Mayo Clinic
Classification: Likely benign. Last evaluated: 2025-12-06. Review status: criteria provided, single submitter. Criteria: ACMG Guidelines, 2015. Collection method: clinical testing. Allele origin: germline. Observed: 1 variant allele.
Comment: BP4, BP7

Labcorp Genetics (formerly Invitae), Labcorp
Classification: Likely benign. Last evaluated: 2024-02-07. Review status: criteria provided, single submitter. Criteria: Invitae Variant Classification Sherloc (09022015). Collection method: clinical testing. Allele origin: germline.